The following is an entry in ClinVar:

ClinVar aggregate classification (germline): Pathogenic (1 of 4 stars; one submission).

Conditions:
Pigmentary pallidal degeneration (NBIA1). Also called: HARP SYNDROME; PKAN NEUROAXONAL DYSTROPHY, JUVENILE-ONSET; Neurodegeneration with brain iron accumulation 1; Pantothenate Kinase-Associated Neurodegeneration; Neuroaxonal dystrophy, late infantile; Hallervorden-Spatz disease. Identifiers: Orphanet 157850, MedGen C0018523, MONDO:0009319, OMIM 234200.

Submission:

Labcorp Genetics (formerly Invitae), Labcorp
Classification: Pathogenic for Pigmentary pallidal degeneration. Last evaluated: 2023-11-22. Review status: criteria provided, single submitter. Criteria: Invitae Variant Classification Sherloc (09022015). Collection method: clinical testing. Allele origin: unknown.
Comment: This variant is a gross deletion of the genomic region encompassing exon(s) 2-4 of the PANK2 gene. This deletion is out-of-frame, and is expected to create a premature termination codon and result in an absent or disrupted protein product. Loss-of-function variants in PANK2 are known to be pathogenic (PMID: 11479594, 12510040). A similar copy number variant has been observed in individual(s) with pantothenate kinase-associated neurodegeneration (PMID: 22103354). For these reasons, this variant has been classified as Pathogenic.

Literature cited by the submitters: PubMed 11479594; PubMed 12510040; PubMed 22103354.

NC_000020.10:g.(?_3888553)_(3893301_?)del

Gene: PANK2 (pantothenate kinase 2; plus strand). Cytogenetic location: 20p13.
Variant type: Deletion.
Identifiers: ClinVar variation 3248223 (VCV003248223.1).